The following is an entry in ClinVar:

ClinVar aggregate classification (germline): Uncertain significance (1 of 4 stars; one submission).

Conditions:
Pyruvate dehydrogenase E2 deficiency (PDHDD). Also called: LACTIC ACIDEMIA DUE TO DEFECT OF E2 LIPOYL TRANSACETYLASE OF THE PYRUVATE DEHYDROGENASE COMPLEX; Dihydrolipoamide Acetyltransferase (E2) Deficiency. Identifiers: Orphanet 765, Orphanet 79244, MedGen C1855565, MONDO:0009502, OMIM 245348.

Allele frequency attached by ClinVar (database versions not stated): gnomAD 0.00001; gnomAD exomes 0.00001; ExAC 0.00002.
gnomAD v4.1: 4 of 1,612,578 alleles (0.00025%); highest among the groups gnomAD compares: Non-Finnish European, 0.00034%; no homozygotes.

Submission:

Labcorp Genetics (formerly Invitae), Labcorp
Classification: Uncertain significance for Pyruvate dehydrogenase E2 deficiency. Last evaluated: 2024-10-16. Review status: criteria provided, single submitter. Criteria: Invitae Variant Classification Sherloc (09022015). Collection method: clinical testing. Allele origin: germline.
Comment: This sequence change falls in intron 12 of the DLAT gene. It does not directly change the encoded amino acid sequence of the DLAT protein. It affects a nucleotide within the consensus splice site. This variant is present in population databases (rs782793536, gnomAD 0.002%). This variant has not been reported in the literature in individuals affected with DLAT-related conditions. ClinVar contains an entry for this variant (Variation ID: 1441962). Variants that disrupt the consensus splice site are a relatively common cause of aberrant splicing (PMID: 17576681, 9536098). Algorithms developed to predict the effect of sequence changes on RNA splicing suggest that this variant is not likely to affect RNA splicing. In summary, the available evidence is currently insufficient to determine the role of this variant in disease. Therefore, it has been classified as a Variant of Uncertain Significance.

Literature cited by the submitters: PubMed 17576681; PubMed 9536098.

NM_001931.5(DLAT):c.1677+4G>C

Genes: DLAT (dihydrolipoamide S-acetyltransferase; plus strand), PIH1D2 (PIH1 domain containing 2; minus strand). Cytogenetic location: 11q23.1.
Variant type: single nucleotide variant.
Coding change: c.1677+4G>C on transcript NM_001931.5 (MANE Select); 4 bases into the intron after coding-DNA position 1677, G replaced by C.
Molecular consequence: intron variant.
Genome position (GRCh38, 1-based): chr11:112,060,069, G>C. VCF-style: chr11-112060069-G-C. GRCh37 (hg19) VCF-style: chr11-111930793-G-C.
Other names: c.1215+4G>C (NM_001372042.1); c.1695+4G>C (NM_001372031.1); c.1656+4G>C (NM_001372033.1); c.1569+4G>C (NM_001372035.1); c.1671+4G>C (NM_001372032.1); c.1362+4G>C (NM_001372039.1); c.1254+4G>C (NM_001372041.1); c.1398+4G>C (NM_001372038.1); and 4 more.
Identifiers: ClinVar variation 1441962 (VCV001441962.6), dbSNP rs782793536, ClinGen allele CA6276980.
Genomic context (GRCh38, chr11:112,060,069, plus strand): 5'-GTTGTTTCTTTAGCAACCAAAGCAAGAGAGGGTAAACTACAGCCACATGAATTCCAGGTA[G>C]GGTATTAATTATTGCTTTCTAATTATGTTATTTTTAAGGTTTGCATAATGCATTTATTGC-3'